The following is an entry in ClinVar:

NM_000070.3(CAPN3):c.898C>T (p.Gln300Ter)

Gene: CAPN3 (calpain 3; plus strand). Cytogenetic location: 15q15.1.
Variant type: single nucleotide variant.
Coding change: c.898C>T on transcript NM_000070.3 (MANE Select); coding-DNA position 898, C replaced by T.
Protein change: p.Gln300Ter; replaces glutamine 300 with a stop codon.
Molecular consequence: nonsense. On other transcripts: intron variant (1).
Genome position (GRCh38, 1-based): chr15:42,390,049, C>T. VCF-style: chr15-42390049-C-T. GRCh37 (hg19) VCF-style: chr15-42682247-C-T.
Other names: c.898C>T, p.Gln300Ter (NM_024344.2); c.801+953C>T (NM_173087.2); short protein forms Q300*.
Identifiers: ClinVar variation 1458714 (VCV001458714.9), dbSNP rs2141170517, ClinGen allele CA391998628.

ClinVar aggregate classification (germline): Pathogenic. Review status: criteria provided, multiple submitters, no conflicts (2 of 4 stars). 3 submissions from 3 submitters: Pathogenic (3). Last evaluated 2025-05-20.

Conditions:
Autosomal recessive limb-girdle muscular dystrophy type 2A (LGMDR1). Also called: Muscular dystrophy, limb-girdle, type 2A, Amish; LEYDEN-MOEBIUS MUSCULAR DYSTROPHY; MUSCULAR DYSTROPHY, PELVOFEMORAL; Limb-girdle muscular dystrophy, type 2A; Calpainopathy. Identifiers: Orphanet 267, MedGen C1869123, MONDO:0009675, OMIM 253600. Disease mechanism: loss of function.

Submissions (3):

3billion
Classification: Pathogenic for Autosomal recessive limb-girdle muscular dystrophy type 2A. Last evaluated: 2025-05-20. Review status: criteria provided, single submitter. Criteria: ACMG Guidelines, 2015. Collection method: clinical testing. Allele origin: germline. Affected: yes.
Comment: The variant is not observed in the gnomAD v4.1.0 dataset. Predicted Consequence/Location: Stop-gained (nonsense): predicted to result in a loss or disruption of normal protein function through nonsense-mediated decay (NMD) or protein truncation. Multiple pathogenic variants are reported downstream of the variant. The variant has been reported at least twice as pathogenic without evidence for the classification (ClinVar ID: VCV001458714 /PMID: 15689361). Therefore, this variant is classified as Pathogenic according to the recommendation of ACMG/AMP guideline.

Labcorp Genetics (formerly Invitae), Labcorp
Classification: Pathogenic for Autosomal recessive limb-girdle muscular dystrophy type 2A. Last evaluated: 2023-08-28. Review status: criteria provided, single submitter. Criteria: Invitae Variant Classification Sherloc (09022015). Collection method: clinical testing. Allele origin: germline.
Comment: For these reasons, this variant has been classified as Pathogenic. Algorithms developed to predict the effect of sequence changes on RNA splicing suggest that this variant may disrupt the consensus splice site. ClinVar contains an entry for this variant (Variation ID: 1458714). This premature translational stop signal has been observed in individual(s) with clinical features of autosomal recessive limb-girdle muscular dystrophy (PMID: 15689361, 16650086). This variant is not present in population databases (gnomAD no frequency). This sequence change creates a premature translational stop signal (p.Gln300*) in the CAPN3 gene. It is expected to result in an absent or disrupted protein product. Loss-of-function variants in CAPN3 are known to be pathogenic (PMID: 10330340, 15689361).

Revvity Omics, Revvity
Classification: Pathogenic. Last evaluated: 2023-05-26. Review status: criteria provided, single submitter. Criteria: ACMG Guidelines, 2015. Collection method: clinical testing. Allele origin: germline.

Literature cited by the submitters: PubMed 15689361 (cited by 3billion and Labcorp Genetics (formerly Invitae), Labcorp); PubMed 16650086 (cited by Labcorp Genetics (formerly Invitae), Labcorp); PubMed 10330340 (cited by Labcorp Genetics (formerly Invitae), Labcorp).